The following is an entry in ClinVar:

NM_020964.3(EPG5):c.5548T>C (p.Cys1850Arg)

Gene: EPG5 (ectopic P-granules 5 autophagy tethering factor; minus strand). Cytogenetic location: 18q12.3.
Variant type: single nucleotide variant.
Coding change: c.5548T>C on transcript NM_020964.3 (MANE Select); coding-DNA position 5548, T replaced by C.
Protein change: p.Cys1850Arg; replaces cysteine 1850 with arginine.
Molecular consequence: missense variant.
Genome position (GRCh38, 1-based): chr18:45,880,194, A>G on the plus strand (T>C on the coding strand, the complement: EPG5 is on the minus strand). VCF-style: chr18-45880194-A-G. GRCh37 (hg19) VCF-style: chr18-43460159-A-G.
Other names: c.5548T>C (NM_020964.2); short protein forms C1850R.
Identifiers: ClinVar variation 1480810 (VCV001480810.6), dbSNP rs1599479322, ClinGen allele CA402343890.

ClinVar aggregate classification (germline): Uncertain significance. Review status: criteria provided, multiple submitters, no conflicts (2 of 4 stars). 2 submissions from 2 submitters: Uncertain significance (2). Last evaluated 2025-01-06.

Conditions:
Vici syndrome (VICIS). Identifiers: Orphanet 1493, MedGen C1855772, MONDO:0009452, OMIM 242840.
EPG5-related disorder. Also called: EPG5-related condition. Identifiers: MedGen CN381528.

Allele frequency attached by ClinVar (database versions not stated): TOPMed below 0.00001.
gnomAD v4.1: 2 of 1,607,542 alleles (0.00012%); highest among the groups gnomAD compares: Non-Finnish European, 0.00017%; no homozygotes.

Submissions (2):

Labcorp Genetics (formerly Invitae), Labcorp
Classification: Uncertain significance for Vici syndrome. Last evaluated: 2025-01-06. Review status: criteria provided, single submitter. Criteria: Invitae Variant Classification Sherloc (09022015). Collection method: clinical testing. Allele origin: germline.
Comment: This sequence change replaces cysteine, which is neutral and slightly polar, with arginine, which is basic and polar, at codon 1850 of the EPG5 protein (p.Cys1850Arg). This variant is not present in population databases (gnomAD no frequency). This variant has not been reported in the literature in individuals affected with EPG5-related conditions. ClinVar contains an entry for this variant (Variation ID: 1480810). Invitae Evidence Modeling of protein sequence and biophysical properties (such as structural, functional, and spatial information, amino acid conservation, physicochemical variation, residue mobility, and thermodynamic stability) indicates that this missense variant is expected to disrupt EPG5 protein function with a positive predictive value of 80%. In summary, the available evidence is currently insufficient to determine the role of this variant in disease. Therefore, it has been classified as a Variant of Uncertain Significance.

PreventionGenetics, part of Exact Sciences
Classification: Uncertain significance for EPG5-related condition. Last evaluated: 2022-10-10. Review status: criteria provided, single submitter. Criteria: ACMG Guidelines, 2015. Collection method: clinical testing. Allele origin: germline.
Comment: The EPG5 c.5548T>C variant is predicted to result in the amino acid substitution p.Cys1850Arg. To our knowledge, this variant has not been reported in the literature or in a large population database, indicating this variant is rare. At this time, the clinical significance of this variant is uncertain due to the absence of conclusive functional and genetic evidence.